The following is an entry in ClinVar:

ClinVar aggregate classification (germline): Uncertain significance (1 of 4 stars; one submission).

Allele frequency attached by ClinVar (database versions not stated): gnomAD exomes below 0.00001.
gnomAD v4.1: 4 of 1,366,348 alleles (0.00029%); highest among the groups gnomAD compares: Non-Finnish European, 0.00038%; no homozygotes.

Submission:

Labcorp Genetics (formerly Invitae), Labcorp
Classification: Uncertain significance. Last evaluated: 2024-06-03. Review status: criteria provided, single submitter. Criteria: Invitae Variant Classification Sherloc (09022015). Collection method: clinical testing. Allele origin: germline.
Comment: This sequence change replaces valine, which is neutral and non-polar, with isoleucine, which is neutral and non-polar, at codon 134 of the GRM6 protein (p.Val134Ile). This variant is not present in population databases (gnomAD no frequency). This variant has not been reported in the literature in individuals affected with GRM6-related conditions. ClinVar contains an entry for this variant (Variation ID: 2016056). Advanced modeling of protein sequence and biophysical properties (such as structural, functional, and spatial information, amino acid conservation, physicochemical variation, residue mobility, and thermodynamic stability) performed at Invitae indicates that this missense variant is not expected to disrupt GRM6 protein function with a negative predictive value of 95%. In summary, the available evidence is currently insufficient to determine the role of this variant in disease. Therefore, it has been classified as a Variant of Uncertain Significance.

NM_000843.4(GRM6):c.400G>A (p.Val134Ile)

Gene: GRM6 (glutamate metabotropic receptor 6; minus strand). Cytogenetic location: 5q35.3.
Variant type: single nucleotide variant.
Coding change: c.400G>A on transcript NM_000843.4 (MANE Select); coding-DNA position 400, G replaced by A.
Protein change: p.Val134Ile; replaces valine 134 with isoleucine.
Molecular consequence: missense variant.
Genome position (GRCh38, 1-based): chr5:178,994,545, C>T on the plus strand (G>A on the coding strand, the complement: GRM6 is on the minus strand). VCF-style: chr5-178994545-C-T. GRCh37 (hg19) VCF-style: chr5-178421546-C-T.
Other names: short protein forms V134I.
Identifiers: ClinVar variation 2016056 (VCV002016056.4), dbSNP rs2480407454, ClinGen allele CA362435915.